The following is an entry in ClinVar:

NM_015021.3(ZNF292):c.5373T>C (p.Tyr1791=)

Gene: ZNF292 (zinc finger protein 292; plus strand). Cytogenetic location: 6q14.3.
Variant type: single nucleotide variant.
Coding change: c.5373T>C on transcript NM_015021.3 (MANE Select); coding-DNA position 5373, T replaced by C.
Protein change: p.Tyr1791=; no amino-acid change (tyrosine 1791 retained).
Molecular consequence: synonymous variant.
Genome position (GRCh38, 1-based): chr6:87,259,002, T>C. VCF-style: chr6-87259002-T-C. GRCh37 (hg19) VCF-style: chr6-87968720-T-C.
Other names: c.4953T>C, p.Tyr1651= (NM_001351444.2).
Identifiers: ClinVar variation 783472 (VCV000783472.5), dbSNP rs187551781, ClinGen allele CA3914469.

ClinVar aggregate classification (germline): Benign/Likely benign. Review status: criteria provided, multiple submitters, no conflicts (2 of 4 stars). 2 submissions from 2 submitters: Benign (1); Likely benign (1). Last evaluated 2026-05-01.

Allele frequency attached by ClinVar (database versions not stated): gnomAD exomes 0.00023 and 0.00065; ExAC 0.00084; 1000 Genomes Project 0.00200; 1000 Genomes Project 30x 0.00203; gnomAD 0.00265 and 0.00276; TOPMed 0.00286; ESP Exome Variant Server 0.00321.
gnomAD v4.1: 746 of 1,613,546 alleles (0.046%); highest among the groups gnomAD compares: African/African-American, 0.9%; 2 homozygotes.

Submissions (2):

CeGaT Center for Human Genetics Tuebingen
Classification: Likely benign. Last evaluated: 2026-05-01. Review status: criteria provided, single submitter. Criteria: CeGaT Center For Human Genetics Tuebingen Variant Classification Criteria Version 2. Collection method: clinical testing. Allele origin: germline. Affected: yes. Observed: 2 variant alleles.
Comment: ZNF292: BP4, BP7, BS1

Labcorp Genetics (formerly Invitae), Labcorp
Classification: Benign. Last evaluated: 2018-06-11. Review status: criteria provided, single submitter. Criteria: Invitae Variant Classification Sherloc (09022015). Collection method: clinical testing. Allele origin: germline.